The following is an entry in ClinVar:

NM_000474.4(TWIST1):c.7C>T (p.Gln3Ter)

Gene: TWIST1 (twist family bHLH transcription factor 1; minus strand). Cytogenetic location: 7p21.1.
Variant type: single nucleotide variant.
Coding change: c.7C>T on transcript NM_000474.4 (MANE Select); coding-DNA position 7, C replaced by T.
Protein change: p.Gln3Ter; replaces glutamine 3 with a stop codon.
Molecular consequence: nonsense. On other transcripts: non-coding transcript variant (1).
Genome position (GRCh38, 1-based): chr7:19,117,315, G>A on the plus strand (C>T on the coding strand, the complement: TWIST1 is on the minus strand). VCF-style: chr7-19117315-G-A. GRCh37 (hg19) VCF-style: chr7-19156938-G-A.
Other names: short protein forms Q3*.
Identifiers: ClinVar variation 4083363 (VCV004083363.1).

ClinVar aggregate classification (germline): Pathogenic (1 of 4 stars; one submission).

Submission:

GeneDx
Classification: Pathogenic. Last evaluated: 2025-03-12. Review status: criteria provided, single submitter. Criteria: GeneDx Variant Classification Process June 2021. Collection method: clinical testing. Allele origin: germline. Affected: yes.
Comment: Nonsense variant predicted to result in protein truncation, as the last 200 amino acid(s) are lost, and other loss-of-function variants have been reported downstream in HGMD; Not observed at significant frequency in large population cohorts (gnomAD); This variant is associated with the following publications: (PMID: 24635570, 11748846)